The following is an entry in ClinVar:

NM_032043.3(BRIP1):c.2706A>G (p.Ile902Met)

Gene: BRIP1 (BRCA1 interacting DNA helicase 1; minus strand). Cytogenetic location: 17q23.2.
Variant type: single nucleotide variant.
Coding change: c.2706A>G on transcript NM_032043.3 (MANE Select); coding-DNA position 2706, A replaced by G.
Protein change: p.Ile902Met; replaces isoleucine 902 with methionine.
Molecular consequence: missense variant.
Genome position (GRCh38, 1-based): chr17:61,686,035, T>C on the plus strand (A>G on the coding strand, the complement: BRIP1 is on the minus strand). VCF-style: chr17-61686035-T-C. GRCh37 (hg19) VCF-style: chr17-59763396-T-C.
Other names: p.I902M:ATA>ATG; short protein forms I902M.
Identifiers: ClinVar variation 128179 (VCV000128179.32), dbSNP rs587780244, ClinGen allele CA288567.
Genomic context (GRCh38, chr17:61,686,035, plus strand): 5'-TAAATAAGGTGAGGTACTGTACTTTAAAGAGGTCACTTCAAGTGTAGACTCATTGTCCTG[T>C]ATATTGGTTCTGTCCTTTATGGATACATTAAGAACTTTTTGATGCTTTTTGGAAAATTCA-3'
Protein context (NP_114432.2, residues 892-912): LNVSIKDRTN[Ile902Met]QDNESTLEVT

ClinVar aggregate classification (germline): Conflicting classifications of pathogenicity. Review status: criteria provided, conflicting classifications (1 of 4 stars). 11 submissions from 10 submitters: Uncertain significance (8); Likely benign (1). 2 of the submissions do not count toward it. Last evaluated 2025-12-23.

Conditions:
Hereditary cancer-predisposing syndrome. Also called: Tumor predisposition; Hereditary Cancer Syndrome; Neoplastic Syndromes, Hereditary; Hereditary neoplastic syndrome. Identifiers: Orphanet 140162, MedGen C0027672, MeSH D009386, MONDO:0015356.
Familial cancer of breast. Also called: BREAST CANCER, FAMILIAL; Hereditary breast cancer; hereditary breast carcinoma. Identifiers: Orphanet 227535, MedGen C0346153, MONDO:0016419, OMIM 114480. Disease mechanism: loss of function.
Fanconi anemia complementation group J. Also called: BRIP1-Related Fanconi Anemia. Identifiers: Orphanet 84, MedGen C1836860, MONDO:0012187, OMIM 609054.
Ovarian cancer. Also called: OVARIAN CANCER, SOMATIC. Identifiers: Orphanet 213500, MedGen C1140680, MONDO:0008170, OMIM 167000.

Allele frequency attached by ClinVar (database versions not stated): gnomAD 0.00001; gnomAD exomes 0.00001 and 0.00002; TOPMed 0.00001; ExAC 0.00002.
gnomAD v4.1: 24 of 1,613,818 alleles (0.0015%); highest among the groups gnomAD compares: Non-Finnish European, 0.00051%; no homozygotes.

Submissions (11):

Labcorp Genetics (formerly Invitae), Labcorp
Classification: Uncertain significance for Familial cancer of breast; Fanconi anemia complementation group J. Last evaluated: 2025-12-23. Review status: criteria provided, single submitter. Criteria: Invitae Variant Classification Sherloc (09022015). Collection method: clinical testing. Allele origin: germline.
Comment: This sequence change replaces isoleucine, which is neutral and non-polar, with methionine, which is neutral and non-polar, at codon 902 of the BRIP1 protein (p.Ile902Met). This variant is present in population databases (rs587780244, gnomAD 0.05%). This missense change has been observed in individual(s) with breast cancer (PMID: 25186627). ClinVar contains an entry for this variant (Variation ID: 128179). Invitae Evidence Modeling of protein sequence and biophysical properties (such as structural, functional, and spatial information, amino acid conservation, physicochemical variation, residue mobility, and thermodynamic stability) indicates that this missense variant is not expected to disrupt BRIP1 protein function with a negative predictive value of 95%. In summary, the available evidence is currently insufficient to determine the role of this variant in disease. Therefore, it has been classified as a Variant of Uncertain Significance.

GeneDx
Classification: Uncertain significance. Last evaluated: 2025-09-03. Review status: criteria provided, single submitter. Criteria: GeneDx Variant Classification Process June 2021. Collection method: clinical testing. Allele origin: germline. Affected: yes.
Comment: Observed in an individual with breast cancer (PMID: 25186627); Not observed at significant frequency in large population cohorts (gnomAD); In silico analysis suggests that this missense variant does not alter protein structure/function; This variant is associated with the following publications: (PMID: 28873162, 11301010, 25186627, 36845387)

Institute for Biomarker Research, Medical Diagnostic Laboratories, L.L.C.
Classification: Uncertain significance for Hereditary cancer-predisposing syndrome. Last evaluated: 2025-03-14. Review status: criteria provided, single submitter. Criteria: ACMG Guidelines, 2015. Collection method: clinical testing. Allele origin: germline.
Comment: The missense variant NM_032043.3(BRIP1):c.2706A>G (p.Ile902Met) has not been reported previously as a pathogenic variant, to our knowledge. There is a small physicochemical difference between isoleucine and methionine, which is not likely to impact secondary protein structure as these residues share similar properties.The p.Ile902Met missense variant is predicted to be tolerated by both SIFT or PolyPhen2. The methionine residue at codon 902 of BRIP1 is present in Gibbon and 1 other mammalian species. The nucleotide c.2706 in BRIP1 is not conserved according to a GERP++ and PhyloP analysis of 100 vertebrates. For these reasons, this variant has been classified as Uncertain Significance.

Ambry Genetics
Classification: Likely benign for Hereditary cancer-predisposing syndrome. Last evaluated: 2024-11-26. Review status: criteria provided, single submitter. Criteria: Ambry Variant Classification Scheme 2023. Collection method: clinical testing. Allele origin: germline.

Color Diagnostics, LLC DBA Color Health
Classification: Uncertain significance for Hereditary cancer-predisposing syndrome. Last evaluated: 2024-08-06. Review status: criteria provided, single submitter. Criteria: ACMG Guidelines, 2015. Collection method: clinical testing. Allele origin: germline.
Comment: This missense variant replaces isoleucine with methionine at codon 902 of the BRIP1 protein. Computational prediction suggests that this variant may not impact protein structure and function. To our knowledge, functional studies have not been reported for this variant. This variant has been reported in an individual affected with early-onset breast cancer, an individual affected with colorectal cancer, and an individual affected with an unspecified advanced cancer (PMID: 25186627, 28873162; DOI: 10.1200/JCO.2020.38.15_suppl.1538). This variant has been identified in 5/251356 chromosomes in the general population by the Genome Aggregation Database (gnomAD). The available evidence is insufficient to determine the role of this variant in disease conclusively. Therefore, this variant is classified as a Variant of Uncertain Significance.

Myriad Genetics, Inc.
Classification: Uncertain significance for Familial cancer of breast. Last evaluated: 2023-03-02. Review status: criteria provided, single submitter. Criteria: Myriad Autosomal Dominant, Autosomal Recessive and X-Linked Classification Criteria (2023). Collection method: clinical testing. Allele origin: unknown.
Comment: This variant is classified as a variant of uncertain significance as there is insufficient evidence to determine its impact on protein function and/or cancer risk.

Department of Pathology and Laboratory Medicine, Sinai Health System
Classification: Uncertain significance for Familial cancer of breast. Last evaluated: 2022-11-25. Review status: criteria provided, single submitter. Criteria: ACMG Guidelines, 2015. Collection method: clinical testing. Allele origin: germline. Affected: yes.

Sema4
Classification: Uncertain significance for Hereditary cancer-predisposing syndrome. Last evaluated: 2021-11-26. Review status: criteria provided, single submitter. Criteria: Sema4 Curation Guidelines. Collection method: curation. Allele origin: germline.
Comment: The BRIP1 c.2706A>G (p.I902M) variant has been reported in heterozygosity in at least one individual with early onset breast cancer, and in an individual with an unspecified advanced cancer (PMID: 25186627, 28873162). It was observed in 5/10076 chromosomes of the Ashkenazi Jewish subpopulation in the large and broad cohorts of the Genome Aggregation Database. The variant has been reported in ClinVar (Variation ID 128179). In silico tools suggest the impact of the variant on protein function is benign, though these predictions have not been confirmed by functional studies. The evidence is insufficient to meet ACMG/AMP criteria for classifying the variant as benign or pathogenic. Thus, the clinical significance of this variant is currently uncertain.

Quest Diagnostics Nichols Institute San Juan Capistrano
Classification: Uncertain significance. Last evaluated: 2017-07-17. Review status: criteria provided, single submitter. Criteria: Quest Diagnostics criteria. Collection method: clinical testing. Allele origin: germline.

Counsyl
Classification: Uncertain significance for Fanconi anemia complementation group J. Last evaluated: 2016-08-22. Review status: no assertion criteria provided. Collection method: clinical testing. Allele origin: unknown. Not counted in ClinVar's aggregate classification.

Counsyl
Classification: Uncertain significance for Ovarian cancer. Last evaluated: 2016-08-22. Review status: no assertion criteria provided. Collection method: clinical testing. Allele origin: unknown. Not counted in ClinVar's aggregate classification.

Literature cited by the submitters: PubMed 25186627 (cited by 6 submitters); PubMed 28873162 (cited by 3 submitters).